The following is an entry in ClinVar:

NM_014003.4(DHX38):c.3467A>G (p.Lys1156Arg)

Gene: DHX38 (DEAH-box helicase 38; plus strand). Cytogenetic location: 16q22.2.
Variant type: single nucleotide variant.
Coding change: c.3467A>G on transcript NM_014003.4 (MANE Select); coding-DNA position 3467, A replaced by G.
Protein change: p.Lys1156Arg; replaces lysine 1156 with arginine.
Molecular consequence: missense variant.
Genome position (GRCh38, 1-based): chr16:72,109,500, A>G. VCF-style: chr16-72109500-A-G. GRCh37 (hg19) VCF-style: chr16-72143399-A-G.
Other names: short protein forms K1156R.
Identifiers: ClinVar variation 1395411 (VCV001395411.6), dbSNP rs150139686, ClinGen allele CA396717498.
Genomic context (GRCh38, chr16:72,109,500, plus strand): 5'-TGGACGGGGAGTGGCTGGCGGAGCTGGGCCCCATGTTCTATAGCGTGAAACAGGCGGGCA[A>G]GTCACGGCAGGTGAGGATTCTGTGCTCTTCGCAGGGGTGCTGTTTGCCTGTGGGGTCGGT-3'
Protein context (NP_054722.2, residues 1146-1166): PMFYSVKQAG[Lys1156Arg]SRQENRRRAK

ClinVar aggregate classification (germline): Uncertain significance (1 of 4 stars; one submission).

Allele frequency attached by ClinVar (database versions not stated): gnomAD 0.00001.

Submission:

Labcorp Genetics (formerly Invitae), Labcorp
Classification: Uncertain significance. Last evaluated: 2024-02-23. Review status: criteria provided, single submitter. Criteria: Invitae Variant Classification Sherloc (09022015). Collection method: clinical testing. Allele origin: germline.
Comment: This sequence change replaces lysine, which is basic and polar, with arginine, which is basic and polar, at codon 1156 of the DHX38 protein (p.Lys1156Arg). This variant is not present in population databases (gnomAD no frequency). This variant has not been reported in the literature in individuals affected with DHX38-related conditions. ClinVar contains an entry for this variant (Variation ID: 1395411). Advanced modeling of protein sequence and biophysical properties (such as structural, functional, and spatial information, amino acid conservation, physicochemical variation, residue mobility, and thermodynamic stability) performed at Invitae indicates that this missense variant is not expected to disrupt DHX38 protein function with a negative predictive value of 80%. In summary, the available evidence is currently insufficient to determine the role of this variant in disease. Therefore, it has been classified as a Variant of Uncertain Significance.